The following is an entry in ClinVar:

ClinVar aggregate classification (germline): Uncertain significance. Review status: criteria provided, multiple submitters, no conflicts (2 of 4 stars). 2 submissions from 2 submitters: Uncertain significance (2). Last evaluated 2025-08-24.

Conditions:
Inborn genetic diseases. Identifiers: MedGen C0950123, MeSH D030342.
Congenital myasthenic syndrome 8. Also called: MYASTHENIC SYNDROME, CONGENITAL, DUE TO AGRIN DEFICIENCY; Myasthenic syndrome, congenital, 8, with pre- and postsynaptic defects. Identifiers: Orphanet 590, MedGen C3808739, MONDO:0014052, OMIM 615120.

Allele frequency attached by ClinVar (database versions not stated): ExAC 0.00001; gnomAD exomes 0.00001; TOPMed 0.00002; gnomAD 0.00003.
gnomAD v4.1: 24 of 1,596,244 alleles (0.0015%); highest among the groups gnomAD compares: African/African-American, 0.0081%; 1 homozygote.

Submissions (2):

Ambry Genetics
Classification: Uncertain significance for Inborn genetic diseases. Last evaluated: 2025-08-24. Review status: criteria provided, single submitter. Criteria: Ambry Variant Classification Scheme 2023. Collection method: clinical testing. Allele origin: germline.

Labcorp Genetics (formerly Invitae), Labcorp
Classification: Uncertain significance for Congenital myasthenic syndrome 8. Last evaluated: 2022-03-04. Review status: criteria provided, single submitter. Criteria: Invitae Variant Classification Sherloc (09022015). Collection method: clinical testing. Allele origin: germline.
Comment: This sequence change replaces arginine, which is basic and polar, with cysteine, which is neutral and slightly polar, at codon 1464 of the AGRN protein (p.Arg1464Cys). The frequency data for this variant in the population databases is considered unreliable, as metrics indicate poor data quality at this position in the gnomAD database. This variant has not been reported in the literature in individuals affected with AGRN-related conditions. Algorithms developed to predict the effect of missense changes on protein structure and function are either unavailable or do not agree on the potential impact of this missense change (SIFT: "Deleterious"; PolyPhen-2: "Probably Damaging"; Align-GVGD: "Class C0"). In summary, the available evidence is currently insufficient to determine the role of this variant in disease. Therefore, it has been classified as a Variant of Uncertain Significance.

NM_198576.4(AGRN):c.4390C>T (p.Arg1464Cys)

Gene: AGRN (agrin; plus strand). Cytogenetic location: 1p36.33.
Variant type: single nucleotide variant.
Coding change: c.4390C>T on transcript NM_198576.4 (MANE Select); coding-DNA position 4390, C replaced by T.
Protein change: p.Arg1464Cys; replaces arginine 1464 with cysteine.
Molecular consequence: missense variant.
Genome position (GRCh38, 1-based): chr1:1,049,327, C>T. VCF-style: chr1-1049327-C-T. GRCh37 (hg19) VCF-style: chr1-984707-C-T.
Other names: c.4390C>T (NM_198576.3); c.4390C>T, p.Arg1464Cys (NM_001305275.2); c.4075C>T, p.Arg1359Cys (NM_001364727.2); short protein forms R1464C, R1359C.
Identifiers: ClinVar variation 2161621 (VCV002161621.4), dbSNP rs767005691, ClinGen allele CA509444.